The following is an entry in ClinVar:

ClinVar aggregate classification (germline): Uncertain significance (1 of 4 stars; one submission).

gnomAD v4.1: 4 of 1,613,236 alleles (0.00025%); highest among the groups gnomAD compares: Non-Finnish European, 0.00017%; no homozygotes.

Submission:

Labcorp Genetics (formerly Invitae), Labcorp
Classification: Uncertain significance. Last evaluated: 2025-04-28. Review status: criteria provided, single submitter. Criteria: Invitae Variant Classification Sherloc (09022015). Collection method: clinical testing. Allele origin: germline.
Comment: This sequence change replaces phenylalanine, which is neutral and non-polar, with valine, which is neutral and non-polar, at codon 603 of the ERCC6L2 protein (p.Phe603Val). This variant is present in population databases (rs752838487, gnomAD 0.005%). This variant has not been reported in the literature in individuals affected with ERCC6L2-related conditions. ClinVar contains an entry for this variant (Variation ID: 3609186). Experimental studies and prediction algorithms are not available or were not evaluated, and the functional significance of this variant is currently unknown. In summary, the available evidence is currently insufficient to determine the role of this variant in disease. Therefore, it has been classified as a Variant of Uncertain Significance.

NM_020207.7(ERCC6L2):c.1774T>G (p.Phe592Val)

Gene: ERCC6L2 (ERCC excision repair 6 like 2; plus strand). Cytogenetic location: 9q22.32.
Variant type: single nucleotide variant.
Coding change: c.1774T>G on transcript NM_020207.7 (MANE Select); coding-DNA position 1774, T replaced by G.
Protein change: p.Phe592Val; replaces phenylalanine 592 with valine.
Molecular consequence: missense variant. On other transcripts: non-coding transcript variant (1).
Genome position (GRCh38, 1-based): chr9:95,941,476, T>G. VCF-style: chr9-95941476-T-G. GRCh37 (hg19) VCF-style: chr9-98703758-T-G.
Other names: c.1774T>G, p.Phe592Val (NM_001010895.4, NM_001375291.1, NM_001375292.1 and 2 more transcripts); short protein forms F592V.
Identifiers: ClinVar variation 3609186 (VCV003609186.2).